The following is an entry in ClinVar:

ClinVar aggregate classification (germline): Uncertain significance (1 of 4 stars; one submission).

Conditions:
Gastrointestinal stromal tumor. Also called: Gastrointestinal stromal tumor, somatic; Gastrointestinal stroma tumor. Identifiers: Orphanet 44890, MedGen C0238198, MeSH D046152, MONDO:0011719, OMIM 606764, HP:0100723.

Submission:

Labcorp Genetics (formerly Invitae), Labcorp
Classification: Uncertain significance for Gastrointestinal stromal tumor. Last evaluated: 2023-09-27. Review status: criteria provided, single submitter. Criteria: Invitae Variant Classification Sherloc (09022015). Collection method: clinical testing. Allele origin: germline.
Comment: In summary, the available evidence is currently insufficient to determine the role of this variant in disease. Therefore, it has been classified as a Variant of Uncertain Significance. Advanced modeling of protein sequence and biophysical properties (such as structural, functional, and spatial information, amino acid conservation, physicochemical variation, residue mobility, and thermodynamic stability) performed at Invitae indicates that this missense variant is not expected to disrupt PDGFRA protein function. This variant has not been reported in the literature in individuals affected with PDGFRA-related conditions. This variant is not present in population databases (gnomAD no frequency). This sequence change replaces aspartic acid, which is acidic and polar, with alanine, which is neutral and non-polar, at codon 366 of the PDGFRA protein (p.Asp366Ala).

NM_006206.6(PDGFRA):c.1097A>C (p.Asp366Ala)

Gene: PDGFRA (platelet derived growth factor receptor alpha; plus strand). Cytogenetic location: 4q12.
Variant type: single nucleotide variant.
Coding change: c.1097A>C on transcript NM_006206.6 (MANE Select); coding-DNA position 1097, A replaced by C.
Protein change: p.Asp366Ala; replaces aspartic acid 366 with alanine.
Molecular consequence: missense variant.
Genome position (GRCh38, 1-based): chr4:54,267,717, A>C. VCF-style: chr4-54267717-A-C. GRCh37 (hg19) VCF-style: chr4-55133884-A-C.
Other names: c.1097A>C, p.Asp366Ala (NM_001347827.2, NM_001347829.2); c.1172A>C, p.Asp391Ala (NM_001347828.2); c.1136A>C, p.Asp379Ala (NM_001347830.2); short protein forms D379A, D391A, D366A.
Identifiers: ClinVar variation 2763838 (VCV002763838.3), dbSNP rs2475456621, ClinGen allele CA356891791.
Genomic context (GRCh38, chr4:54,267,717, plus strand): 5'-GGATATCCTGGCTGAAAAACAATCTGACTCTGATTGAAAATCTCACTGAGATCACCACTG[A>C]TGTGGAAAAGATTCAGGAAATAAGGTAAAGAAACTCTCTGCCCAAGTATGCCTTTTTTTA-3'
Protein context (NP_006197.1, residues 356-376): LIENLTEITT[Asp366Ala]VEKIQEIRYR